The following is an entry in ClinVar:

ClinVar aggregate classification (germline): Conflicting classifications of pathogenicity. Review status: criteria provided, conflicting classifications (1 of 4 stars). 3 submissions from 3 submitters: Uncertain significance (1); Likely benign (1). 1 of the submissions does not count toward it. Last evaluated 2023-11-15.

Conditions:
CNOT3-related disorder. Also called: CNOT3-related condition.
Intellectual developmental disorder with speech delay, autism, and dysmorphic facies. Identifiers: MedGen C5231456, MONDO:0032864, OMIM 618672.

Allele frequency attached by ClinVar (database versions not stated): TOPMed 0.00002; gnomAD 0.00004; gnomAD exomes 0.00005.

Submissions (3):

Labcorp Genetics (formerly Invitae), Labcorp
Classification: Likely benign. Last evaluated: 2023-11-15. Review status: criteria provided, single submitter. Criteria: Invitae Variant Classification Sherloc (09022015). Collection method: clinical testing. Allele origin: germline.

Revvity Omics, Revvity
Classification: Uncertain significance for Intellectual developmental disorder with speech delay, autism, and dysmorphic facies. Last evaluated: 2023-05-24. Review status: criteria provided, single submitter. Criteria: ACMG Guidelines, 2015. Collection method: clinical testing. Allele origin: germline.

PreventionGenetics, part of Exact Sciences
Classification: Likely benign for CNOT3-related condition. Last evaluated: 2023-07-28. Review status: no assertion criteria provided. Collection method: clinical testing. Allele origin: germline. Not counted in ClinVar's aggregate classification.
Comment: This variant is classified as likely benign based on ACMG/AMP sequence variant interpretation guidelines (Richards et al. 2015 PMID: 25741868, with internal and published modifications).

NM_014516.4(CNOT3):c.1752G>A (p.Pro584=)

Gene: CNOT3 (CCR4-NOT transcription complex subunit 3; plus strand). Cytogenetic location: 19q13.42.
Variant type: single nucleotide variant.
Coding change: c.1752G>A on transcript NM_014516.4 (MANE Select); coding-DNA position 1752, G replaced by A.
Protein change: p.Pro584=; no amino-acid change (proline 584 retained).
Molecular consequence: synonymous variant.
Genome position (GRCh38, 1-based): chr19:54,152,474, G>A. VCF-style: chr19-54152474-G-A. GRCh37 (hg19) VCF-style: chr19-54656211-G-A.
Other names: c.1752G>A (NM_014516.3).
Identifiers: ClinVar variation 2688802 (VCV002688802.7), dbSNP rs1406807767, ClinGen allele CA645609878.